The following is an entry in ClinVar:

ClinVar aggregate classification (germline): Pathogenic (1 of 4 stars; one submission).

Conditions:
Familial adenomatous polyposis 1 (FAP1). Also called: POLYPOSIS, ADENOMATOUS INTESTINAL; FAMILIAL ADENOMATOUS POLYPOSIS 1, ATTENUATED. Identifiers: MedGen C2713442, MONDO:0021056, OMIM 175100. Disease mechanism: loss of function.

Submission:

Labcorp Genetics (formerly Invitae), Labcorp
Classification: Pathogenic for Familial adenomatous polyposis 1. Last evaluated: 2022-05-07. Review status: criteria provided, single submitter. Criteria: Invitae Variant Classification Sherloc (09022015). Collection method: clinical testing. Allele origin: germline.
Comment: For these reasons, this variant has been classified as Pathogenic. This premature translational stop signal has been observed in individual(s) with clinical features of familial adenomatous polyposis (PMID: 20685668, 31069152). This variant is not present in population databases (gnomAD no frequency). This sequence change creates a premature translational stop signal (p.Gly275Valfs*18) in the APC gene. It is expected to result in an absent or disrupted protein product. Loss-of-function variants in APC are known to be pathogenic (PMID: 17963004, 20685668).

Literature cited by the submitters: PubMed 20685668; PubMed 31069152; PubMed 17963004.

NM_000038.6(APC):c.824del (p.Gly275fs)

Gene: APC (APC regulator of Wnt signaling pathway; plus strand). Cytogenetic location: 5q22.2.
Variant type: Deletion.
Coding change: c.824del on transcript NM_000038.6 (MANE Select); coding-DNA position 824, one base deleted (G; older notation c.824delG).
Protein change: p.Gly275fs; shifts the reading frame from glycine 275.
Molecular consequence: frameshift variant. On other transcripts: 5 prime UTR variant (1).
Genome position (GRCh38, 1-based): chr5:112,801,373, G deleted; the last of 2 consecutive G bases (chr5:112,801,372-112,801,373); deleting either gives the same sequence. VCF-style (leftmost placement, unchanged base first): chr5-112801371-TG-T. GRCh37 (hg19) VCF-style: chr5-112137068-TG-T.
Other names: c.824del, p.Gly275fs (NM_001127510.3, NM_001354895.2, NM_001354896.2 and 1 more transcripts); c.770del, p.Gly257fs (NM_001127511.3); c.854del, p.Gly285fs (NM_001354897.2, NM_001354902.2); c.749del, p.Gly250fs (NM_001354898.2, NM_001354904.2); c.740del, p.Gly247fs (NM_001354899.2); c.647del, p.Gly216fs (NM_001354900.2, NM_001354901.2, NM_001354905.2); c.-212del (NM_001354906.2); c.854delG, p.Gly285Valfs (NM_001407446.1); and 5 more; short protein forms G257fs, G285fs, G216fs, G275fs, G247fs, G250fs.
Identifiers: ClinVar variation 2203675 (VCV002203675.4), dbSNP rs2532756628, ClinGen allele CA658760443.
Genomic context (GRCh38, chr5:112,801,371, plus strand): 5'-ACATGATGCTGAGCGGCAGAATGAAGGTCAAGGAGTGGGAGAAATCAACATGGCAACTTC[TG>T]GTAATGGTCAGGTAAATAAATTATTTTATCATATTTTTTAAAATTATTTAAATATCAGAA-3'